The following is an entry in ClinVar:

NM_001018113.3(FANCB):c.203A>G (p.Lys68Arg)

Gene: FANCB (FA complementation group B; minus strand). Cytogenetic location: Xp22.2.
Variant type: single nucleotide variant.
Coding change: c.203A>G on transcript NM_001018113.3 (MANE Select); coding-DNA position 203, A replaced by G.
Protein change: p.Lys68Arg; replaces lysine 68 with arginine.
Molecular consequence: missense variant. On other transcripts: non-coding transcript variant (1).
Genome position (GRCh38, 1-based): chrX:14,865,308, T>C on the plus strand (A>G on the coding strand, the complement: FANCB is on the minus strand). VCF-style: chrX-14865308-T-C. GRCh37 (hg19) VCF-style: chrX-14883430-T-C.
Other names: c.203A>G, p.Lys68Arg (NM_001324162.2, NM_152633.4); short protein forms K68R.
Identifiers: ClinVar variation 1505610 (VCV001505610.6), dbSNP rs2147447567, ClinGen allele CA412445053.

ClinVar aggregate classification (germline): Uncertain significance (1 of 4 stars; one submission).

Conditions:
Fanconi anemia (FA). Also called: Fanconi's anemia. Identifiers: Orphanet 84, MedGen C0015625, MeSH D005199, MONDO:0019391.

Allele frequency attached by ClinVar (database versions not stated): gnomAD exomes below 0.00001.
gnomAD v4.1: 1 of 1,167,937 alleles (0.000086%); highest among the groups gnomAD compares: Admixed American, 0.0027%; no homozygotes.

Submission:

Labcorp Genetics (formerly Invitae), Labcorp
Classification: Uncertain significance for Fanconi anemia. Last evaluated: 2021-09-21. Review status: criteria provided, single submitter. Criteria: Invitae Variant Classification Sherloc (09022015). Collection method: clinical testing. Allele origin: germline.
Comment: This sequence change replaces lysine with arginine at codon 68 of the FANCB protein (p.Lys68Arg). The lysine residue is weakly conserved and there is a small physicochemical difference between lysine and arginine. In summary, the available evidence is currently insufficient to determine the role of this variant in disease. Therefore, it has been classified as a Variant of Uncertain Significance. Algorithms developed to predict the effect of sequence changes on RNA splicing suggest that this variant may create or strengthen a splice site. Algorithms developed to predict the effect of missense changes on protein structure and function (SIFT, PolyPhen-2, Align-GVGD) all suggest that this variant is likely to be tolerated. This variant has not been reported in the literature in individuals affected with FANCB-related conditions. This variant is not present in population databases (ExAC no frequency).